The following is an entry in ClinVar:

NM_004006.3(DMD):c.3603+3A>T

Gene: DMD (dystrophin; minus strand). Cytogenetic location: Xp21.1.
Variant type: single nucleotide variant.
Coding change: c.3603+3A>T on transcript NM_004006.3 (MANE Select); 3 bases into the intron after coding-DNA position 3603, A replaced by T.
Molecular consequence: intron variant.
Genome position (GRCh38, 1-based): chrX:32,454,659, T>A on the plus strand (A>T on the coding strand, the complement: DMD is on the minus strand). VCF-style: chrX-32454659-T-A. GRCh37 (hg19) VCF-style: chrX-32472776-T-A.
Other names: c.3579+3A>T (NM_000109.4); c.3591+3A>T (NM_004009.3); c.3234+3A>T (NM_004010.3).
Identifiers: ClinVar variation 409882 (VCV000409882.10), dbSNP rs1060502615, ClinGen allele CA16616684.

ClinVar aggregate classification (germline): Pathogenic. Review status: criteria provided, multiple submitters, no conflicts (2 of 4 stars). 3 submissions from 3 submitters: Pathogenic (3). Last evaluated 2025-06-10.

Conditions:
Duchenne muscular dystrophy (DMD). Also called: MUSCULAR DYSTROPHY, PSEUDOHYPERTROPHIC PROGRESSIVE, DUCHENNE TYPE; Duchenne Muscular Dystrophy (DMD). Identifiers: Orphanet 98896, MedGen C0013264, MONDO:0010679, OMIM 310200.

Submissions (3):

Labcorp Genetics (formerly Invitae), Labcorp
Classification: Pathogenic for Duchenne muscular dystrophy. Last evaluated: 2025-06-10. Review status: criteria provided, single submitter. Criteria: Invitae Variant Classification Sherloc (09022015). Collection method: clinical testing. Allele origin: germline.
Comment: This sequence change falls in intron 26 of the DMD gene. It does not directly change the encoded amino acid sequence of the DMD protein. RNA analysis indicates that this variant induces altered splicing and may result in an absent or altered protein product. This variant is not present in population databases (gnomAD no frequency). This variant has been observed in individuals with Becker muscular dystrophy (BMD) (PMID: 16770791, 19230662, 21515508). ClinVar contains an entry for this variant (Variation ID: 409882). Variants that disrupt the consensus splice site are a relatively common cause of aberrant splicing (PMID: 17576681, 9536098). Studies have shown that this variant results in activation of a cryptic splice site, and produces a non-functional protein and/or introduces a premature termination codon (PMID: 19230662). For these reasons, this variant has been classified as Pathogenic.

Laboratory of Medical Genetics, National & Kapodistrian University of Athens
Classification: Pathogenic for Duchenne muscular dystrophy. Last evaluated: 2022-12-16. Review status: criteria provided, single submitter. Criteria: ACMG Guidelines, 2015. Collection method: clinical testing. Allele origin: germline. Affected: yes.
Comment: PVS1, PM2, PP5

GeneDx
Classification: Pathogenic. Last evaluated: 2022-10-18. Review status: criteria provided, single submitter. Criteria: GeneDx Variant Classification Process June 2021. Collection method: clinical testing. Allele origin: germline. Affected: yes.
Comment: Published functional studies, including RNA sequencing, showed that c.3603+3A>T resulted in altered splicing, leading to the production of a truncated transcript and significantly reduced expression of normal transcript; immunostaining of muscle biopsies showed faint and patchy normal protein expression, consistent with RNA sequencing (Baskin et al., 2009; Okubo et al., 2017); Not observed at significant frequency in large population cohorts (gnomAD); In silico analysis supports a deleterious effect on splicing; This variant is associated with the following publications: (PMID: 25525159, 9536098, 21515508, 17576681, 29196072, Garca-Acero2018[casereport], 27593222, 19230662, 28859693, 31397097, 16770791, 22294058)

Literature cited by the submitters: PubMed 16770791 (cited by Labcorp Genetics (formerly Invitae), Labcorp); PubMed 19230662 (cited by Labcorp Genetics (formerly Invitae), Labcorp); PubMed 21515508 (cited by Labcorp Genetics (formerly Invitae), Labcorp); PubMed 17576681 (cited by Labcorp Genetics (formerly Invitae), Labcorp); PubMed 9536098 (cited by Labcorp Genetics (formerly Invitae), Labcorp); PubMed 27593222 (cited by Laboratory of Medical Genetics, National & Kapodistrian University of Athens); PubMed 28859693 (cited by Laboratory of Medical Genetics, National & Kapodistrian University of Athens).